The following is an entry in ClinVar:

NM_000554.6(CRX):c.560C>T (p.Thr187Ile)

Gene: CRX (cone-rod homeobox; plus strand). Cytogenetic location: 19q13.33.
Variant type: single nucleotide variant.
Coding change: c.560C>T on transcript NM_000554.6 (MANE Select); coding-DNA position 560, C replaced by T.
Protein change: p.Thr187Ile; replaces threonine 187 with isoleucine.
Molecular consequence: missense variant.
Genome position (GRCh38, 1-based): chr19:47,839,627, C>T. VCF-style: chr19-47839627-C-T. GRCh37 (hg19) VCF-style: chr19-48342884-C-T.
Other names: c.560C>T (NM_000554.5); short protein forms T187I.
Identifiers: ClinVar variation 1385999 (VCV001385999.8), dbSNP rs758125850, ClinGen allele CA9544516.

ClinVar aggregate classification (germline): Conflicting classifications of pathogenicity. Review status: criteria provided, conflicting classifications (1 of 4 stars). 3 submissions from 3 submitters: Uncertain significance (2); Benign (1). Last evaluated 2025-01-27.

Conditions:
Retinal dystrophy. Also called: Inherited retinal dystrophy. Identifiers: Orphanet 71862, MedGen C0854723, MeSH D058499, MONDO:0019118, HP:0000556.
Leber congenital amaurosis 7 (LCA7). Identifiers: Orphanet 65, MedGen C3151192, MONDO:0013449, OMIM 613829.
Cone-rod dystrophy 2 (CORD2). Also called: CONE-ROD RETINAL DYSTROPHY; Cone-rod retinal dystrophy 2. Identifiers: Orphanet 1872, MedGen C3489532, MONDO:0007362, OMIM 120970.
CRX-related disorder. Also called: CRX-related condition.

Allele frequency attached by ClinVar (database versions not stated): ExAC 0.00001; gnomAD 0.00001 and 0.00003; gnomAD exomes 0.00001 and 0.00002; TOPMed 0.00003.
gnomAD v4.1: 38 of 1,613,154 alleles (0.0024%); highest among the groups gnomAD compares: East Asian, 0.074%; no homozygotes.

Submissions (3):

PreventionGenetics, part of Exact Sciences
Classification: Uncertain significance for CRX-related condition. Last evaluated: 2025-01-27. Review status: criteria provided, single submitter. Criteria: ACMG Guidelines, 2015. Collection method: clinical testing. Allele origin: germline.
Comment: The CRX c.560C>T variant is predicted to result in the amino acid substitution p.Thr187Ile. This variant has been reported in an individual with early-onset high myopia (Zhou et al. 2018. PubMed ID: 29453956). This variant is present in 0.0062% of alleles in individuals of African descent in gnomAD. At this time, the clinical significance of this variant is uncertain due to the absence of conclusive functional and genetic evidence.

Labcorp Genetics (formerly Invitae), Labcorp
Classification: Uncertain significance for Cone-rod dystrophy 2; Leber congenital amaurosis 7. Last evaluated: 2024-10-16. Review status: criteria provided, single submitter. Criteria: Invitae Variant Classification Sherloc (09022015). Collection method: clinical testing. Allele origin: germline.
Comment: This sequence change replaces threonine, which is neutral and polar, with isoleucine, which is neutral and non-polar, at codon 187 of the CRX protein (p.Thr187Ile). This variant is present in population databases (rs758125850, gnomAD 0.007%). This variant has not been reported in the literature in individuals affected with CRX-related conditions. ClinVar contains an entry for this variant (Variation ID: 1385999). Invitae Evidence Modeling of protein sequence and biophysical properties (such as structural, functional, and spatial information, amino acid conservation, physicochemical variation, residue mobility, and thermodynamic stability) indicates that this missense variant is not expected to disrupt CRX protein function with a negative predictive value of 95%. In summary, the available evidence is currently insufficient to determine the role of this variant in disease. Therefore, it has been classified as a Variant of Uncertain Significance.

Dept Of Ophthalmology, Nagoya University
Classification: Benign for Retinal dystrophy. Last evaluated: 2023-10-01. Review status: criteria provided, single submitter. Criteria: Submitter's publication. Collection method: research. Allele origin: germline. Affected: yes.